The following is an entry in ClinVar:

NM_000088.4(COL1A1):c.1002+77A>G

Gene: COL1A1 (collagen type I alpha 1 chain; minus strand). Cytogenetic location: 17q21.33.
Variant type: single nucleotide variant.
Coding change: c.1002+77A>G on transcript NM_000088.4 (MANE Select); 77 bases into the intron after coding-DNA position 1002, A replaced by G.
Molecular consequence: intron variant.
Genome position (GRCh38, 1-based): chr17:50,196,078, T>C on the plus strand (A>G on the coding strand, the complement: COL1A1 is on the minus strand). VCF-style: chr17-50196078-T-C. GRCh37 (hg19) VCF-style: chr17-48273439-T-C.
Identifiers: ClinVar variation 674978 (VCV000674978.2), dbSNP rs2734281, ClinGen allele CA14450306.

ClinVar aggregate classification (germline): Benign. Review status: criteria provided, multiple submitters, no conflicts (2 of 4 stars). 2 submissions from 2 submitters: Benign (2). Last evaluated 2018-06-14.

Allele frequency attached by ClinVar (database versions not stated): 1000 Genomes Project 0.79253; 1000 Genomes Project 30x 0.79591; gnomAD exomes 0.82394; gnomAD 0.84406 and 0.85130; TOPMed 0.84720; ESP Exome Variant Server 0.86202.
gnomAD v4.1: 1,326,853 of 1,606,640 alleles (83%); highest among the groups gnomAD compares: African/African-American, 93%; 550,872 homozygotes.

Submissions (2):

GeneDx
Classification: Benign. Last evaluated: 2018-06-14. Review status: criteria provided, single submitter. Criteria: GeneDx Variant Classification (06012015). Collection method: clinical testing. Allele origin: germline. Affected: yes.
Comment: This variant is considered likely benign or benign based on one or more of the following criteria: it is a conservative change, it occurs at a poorly conserved position in the protein, it is predicted to be benign by multiple in silico algorithms, and/or has population frequency not consistent with disease.

Breakthrough Genomics
Classification: Benign. Review status: criteria provided, single submitter. Criteria: ACMG Guidelines, 2015. Collection method: not provided. Allele origin: germline. Inheritance: Autosomal dominant inheritance. Affected: yes.